The following is an entry in ClinVar:

ClinVar aggregate classification (germline): Uncertain significance (1 of 4 stars; one submission).

Submission:

Women's Health and Genetics/Laboratory Corporation of America, LabCorp
Classification: Uncertain significance. Last evaluated: 2025-10-03. Review status: criteria provided, single submitter. Criteria: LabCorp Variant Classification Summary - May 2015. Collection method: clinical testing. Allele origin: germline.
Comment: Variant summary: ABCC8 c.3650+5_3650+8dupGAGT alters non-conserved nucleotides located close to a canonical splice site and therefore could affect mRNA splicing, leading to a significantly altered protein sequence. Several computational tools predict a significant impact on normal splicing: Four predict the variant creates a cryptic 5' donor site. However, these predictions have yet to be confirmed by functional studies. The variant was absent in 251474 control chromosomes. The available data on variant occurrences in the general population are insufficient to allow any conclusion about variant significance. To our knowledge, no occurrence of c.3650+5_3650+8dupGAGT in individuals affected with ABCC8-related conditions and no experimental evidence demonstrating its impact on protein function have been reported. No submitters have cited clinical-significance assessments for this variant to ClinVar. Based on the evidence outlined above, the variant was classified as uncertain significance.

NM_000352.6(ABCC8):c.3650+5_3650+8dup

Gene: ABCC8 (ATP binding cassette subfamily C member 8; minus strand). Cytogenetic location: 11p15.1.
Variant type: Duplication.
Coding change: c.3650+5_3650+8dup on transcript NM_000352.6 (MANE Select); bases 5 to 8 of the intron after coding-DNA position 3650, 4 bases duplicated (GAGT; older notation c.3650+5_3650+8dupGAGT).
Molecular consequence: intron variant.
Genome position (GRCh38, 1-based): chr11:17,402,653-17,402,656, ACTC duplicated on the plus strand (GAGT on the coding strand, the reverse complement: ABCC8 is on the minus strand). VCF-style (leftmost placement, unchanged base first): chr11-17402652-G-GACTC. GRCh37 (hg19) VCF-style: chr11-17424199-G-GACTC.
Other names: c.3650+5_3650+8dupGAGT (NM_000352.6); c.3647+5_3647+8dup (NM_001351297.2); c.3650+5_3650+8dup (NM_001351296.2); c.3716+5_3716+8dup (NM_001351295.2); c.3653+5_3653+8dup (NM_001287174.3).
Identifiers: ClinVar variation 4687598 (VCV004687598.1).
Genomic context (GRCh38, chr11:17,402,652, plus strand): 5'-ATCTCATGGCCTGTGCCCCCTGGCCCCACCCCTGTTCCACTCCTACCTTGGGGGAATGTG[G>GACTC]ACTCGTACCTGAAGGCCCGGATGGTGGTGAGTCCTTCTACGGTTTCGGCAAAGTGTGAGA-3'